The following is an entry in ClinVar:

NM_005751.5(AKAP9):c.1018GAA[1] (p.Glu341_Glu342del)

Gene: AKAP9 (A-kinase anchoring protein 9; plus strand). Cytogenetic location: 7q21.2.
Variant type: Microsatellite.
Coding change: c.1018GAA[1] on transcript NM_005751.5 (MANE Select); one copy of the 3-base unit GAA starting at c.1018; the reference has three copies in a row; two copies, 6 bases deleted.
Protein change: p.Glu341_Glu342del.
Genome position (GRCh38, 1-based): chr7:92,000,938-92,000,943, GAAGAA deleted; deleting any 6 consecutive bases within chr7:92,000,934-92,000,943 gives the same sequence; the position shown is the placement nearest the transcript's 3' end. VCF-style (leftmost placement, unchanged base first): chr7-92000933-TAGAAGA-T. GRCh37 (hg19) VCF-style: chr7-91630247-TAGAAGA-T.
Other names: c.1018GAA[1], p.Glu341_Glu342del (NM_147185.3).
Identifiers: ClinVar variation 4762233 (VCV004762233.1).

ClinVar aggregate classification (germline): Uncertain significance (1 of 4 stars; one submission).

Conditions:
Long QT syndrome (LQTS). Identifiers: MedGen C0023976, MeSH D008133, MONDO:0002442. Disease mechanism: loss of function. Inheritance: Various modes of inheritance.

Submission:

Labcorp Genetics (formerly Invitae), Labcorp
Classification: Uncertain significance for Long QT syndrome. Last evaluated: 2025-02-18. Review status: criteria provided, single submitter. Criteria: Invitae Variant Classification Sherloc (09022015). Collection method: clinical testing. Allele origin: germline.
Comment: This variant, c.1021_1026del, results in the deletion of 2 amino acid(s) of the AKAP9 protein (p.Glu341_Glu342del), but otherwise preserves the integrity of the reading frame. This variant is not present in population databases (gnomAD no frequency). This variant has not been reported in the literature in individuals affected with AKAP9-related conditions. Experimental studies and prediction algorithms are not available or were not evaluated, and the functional significance of this variant is currently unknown. In summary, the available evidence is currently insufficient to determine the role of this variant in disease. Therefore, it has been classified as a Variant of Uncertain Significance.